The following is an entry in ClinVar:

NM_005247.4(FGF3):c.364C>T (p.His122Tyr)

Gene: FGF3 (fibroblast growth factor 3; minus strand). Cytogenetic location: 11q13.3.
Variant type: single nucleotide variant.
Coding change: c.364C>T on transcript NM_005247.4 (MANE Select); coding-DNA position 364, C replaced by T.
Protein change: p.His122Tyr; replaces histidine 122 with tyrosine.
Molecular consequence: missense variant.
Genome position (GRCh38, 1-based): chr11:69,810,661, G>A on the plus strand (C>T on the coding strand, the complement: FGF3 is on the minus strand). VCF-style: chr11-69810661-G-A. GRCh37 (hg19) VCF-style: chr11-69625429-G-A.
Other names: short protein forms H122Y.
Identifiers: ClinVar variation 4771863 (VCV004771863.1).

ClinVar aggregate classification (germline): Uncertain significance (1 of 4 stars; one submission).

gnomAD v4.1: 2 of 1,592,806 alleles (0.00013%); highest among the groups gnomAD compares: Non-Finnish European, 0.00017%; no homozygotes.

Submission:

Labcorp Genetics (formerly Invitae), Labcorp
Classification: Uncertain significance. Last evaluated: 2025-12-18. Review status: criteria provided, single submitter. Criteria: Invitae Variant Classification Sherloc (09022015). Collection method: clinical testing. Allele origin: germline.
Comment: This sequence change replaces histidine, which is basic and polar, with tyrosine, which is neutral and polar, at codon 122 of the FGF3 protein (p.His122Tyr). This variant is not present in population databases (gnomAD no frequency). This variant has not been reported in the literature in individuals affected with FGF3-related conditions. An algorithm developed to predict the effect of missense changes on protein structure and function (PolyPhen-2) suggests that this variant is likely to be disruptive. In summary, the available evidence is currently insufficient to determine the role of this variant in disease. Therefore, it has been classified as a Variant of Uncertain Significance.